The following is an entry in ClinVar:

NM_002609.4(PDGFRB):c.916A>G (p.Ile306Val)

Gene: PDGFRB (platelet derived growth factor receptor beta; minus strand). Cytogenetic location: 5q32.
Variant type: single nucleotide variant.
Coding change: c.916A>G on transcript NM_002609.4 (MANE Select); coding-DNA position 916, A replaced by G.
Protein change: p.Ile306Val; replaces isoleucine 306 with valine.
Molecular consequence: missense variant.
Genome position (GRCh38, 1-based): chr5:150,133,604, T>C on the plus strand (A>G on the coding strand, the complement: PDGFRB is on the minus strand). VCF-style: chr5-150133604-T-C. GRCh37 (hg19) VCF-style: chr5-149513167-T-C.
Other names: c.724A>G, p.Ile242Val (NM_001355016.2); c.433A>G, p.Ile145Val (NM_001355017.2); short protein forms I145V, I242V, I306V.
Identifiers: ClinVar variation 5041178 (VCV005041178.1).

ClinVar aggregate classification (germline): Uncertain significance (1 of 4 stars; one submission).

gnomAD v4.1: 4 of 1,614,088 alleles (0.00025%); highest among the groups gnomAD compares: South Asian, 0.0044%; no homozygotes.

Submission:

CeGaT Center for Human Genetics Tuebingen
Classification: Uncertain significance. Last evaluated: 2026-09-01. Review status: criteria provided, single submitter. Criteria: CeGaT Center For Human Genetics Tuebingen Variant Classification Criteria Version 2. Collection method: clinical testing. Allele origin: germline. Affected: yes. Observed: 1 variant allele.
Comment: PDGFRB: PM2, BP4